The following is an entry in ClinVar:

NM_014704.4(CEP104):c.317C>G (p.Thr106Arg)

Gene: CEP104 (centrosomal protein 104; minus strand). Cytogenetic location: 1p36.32.
Variant type: single nucleotide variant.
Coding change: c.317C>G on transcript NM_014704.4 (MANE Select); coding-DNA position 317, C replaced by G.
Protein change: p.Thr106Arg; replaces threonine 106 with arginine.
Molecular consequence: missense variant.
Genome position (GRCh38, 1-based): chr1:3,847,584, G>C on the plus strand (C>G on the coding strand, the complement: CEP104 is on the minus strand). VCF-style: chr1-3847584-G-C. GRCh37 (hg19) VCF-style: chr1-3764148-G-C.
Other names: short protein forms T106R.
Identifiers: ClinVar variation 3897363 (VCV003897363.1).

ClinVar aggregate classification (germline): Uncertain significance (1 of 4 stars; one submission).

Submission:

GeneDx
Classification: Uncertain significance. Last evaluated: 2024-10-30. Review status: criteria provided, single submitter. Criteria: GeneDx Variant Classification Process June 2021. Collection method: clinical testing. Allele origin: germline. Affected: yes.
Comment: Not observed at significant frequency in large population cohorts (gnomAD); In silico analysis supports that this missense variant has a deleterious effect on protein structure/function; Has not been previously published as pathogenic or benign to our knowledge